The following is an entry in ClinVar:

ClinVar aggregate classification (germline): Conflicting classifications of pathogenicity. Review status: criteria provided, conflicting classifications (1 of 4 stars). 8 submissions from 8 submitters: Likely pathogenic (1); Uncertain significance (3); Likely benign (2). 2 of the submissions do not count toward it. Last evaluated 2024-10-31.

Conditions:
Factor XIII, A subunit, deficiency of. Also called: Factor XIII subunit A deficiency. Identifiers: Orphanet 331, MedGen C2750514, MONDO:0013187, OMIM 613225, HP:0040233.

Allele frequency attached by ClinVar (database versions not stated): 1000 Genomes Project 30x 0.00078; 1000 Genomes Project 0.00100; ExAC 0.00175; gnomAD exomes 0.00190 and 0.00355; TOPMed 0.00226; gnomAD 0.00230 and 0.00237; ESP Exome Variant Server 0.00269.
gnomAD v4.1: 5,511 of 1,613,776 alleles (0.34%); highest among the groups gnomAD compares: Non-Finnish European, 0.44%; 22 homozygotes.

Submissions (8):

Blueprint Genetics
Classification: Likely benign. Last evaluated: 2024-10-31. Review status: criteria provided, single submitter. Criteria: ACMG Guidelines, 2015. Collection method: clinical testing. Allele origin: germline.

Women's Health and Genetics/Laboratory Corporation of America, LabCorp
Classification: Likely benign. Last evaluated: 2024-09-24. Review status: criteria provided, single submitter. Criteria: LabCorp Variant Classification Summary - May 2015. Collection method: clinical testing. Allele origin: germline.
Comment: Variant summary: F13A1 c.1777G>A (p.Gly593Ser) results in a non-conservative amino acid change located in the transglutaminase, C-terminal domain (IPR008958) of the encoded protein sequence. Four of five in-silico tools predict a benign effect of the variant on protein function. The variant allele was found at a frequency of 0.0019 in 251110 control chromosomes, predominantly at a frequency of 0.0035 within the Non-Finnish European subpopulation in the gnomAD database, including 1 homozygotes. The observed variant frequency within Non-Finnish European control individuals in the gnomAD database exceeds the estimated maximal expected allele frequency for a pathogenic variant in F13A1 causing Factor XIIIA Deficiency phenotype. c.1777G>A has been reported in the literature in individuals affected with angioedema or excessive bleeding (Loules_2020, Leine_2017, Downes_2019, Ivaskevicius_2010). These data do not allow any conclusion about variant significance. At least one publication reports experimental evidence evaluating an impact on protein function. These results showed no damaging effect of this variant (Thomas_2016). This variant is also called G592S. The following publications have been ascertained in the context of this evaluation (PMID: 31064749, 20179087, 28748566, 33114181, 27363989). ClinVar contains an entry for this variant (Variation ID: 627022). Based on the evidence outlined above, the variant was classified as likely benign.

Mendelics
Classification: Uncertain significance. Last evaluated: 2022-05-04. Review status: criteria provided, single submitter. Criteria: Mendelics Assertion Criteria 2019. Collection method: clinical testing. Allele origin: germline.

NIHR Bioresource Rare Diseases, University of Cambridge
Classification: Likely pathogenic for Factor XIII, A subunit, deficiency of. Last evaluated: 2019-02-01. Review status: criteria provided, single submitter. Criteria: ACMG Guidelines, 2015. Collection method: research. Allele origin: unknown. Affected: yes. Observed: 1 compound heterozygote. Study: ThromboGenomics.

Illumina Laboratory Services, Illumina
Classification: Uncertain significance for Factor XIII, A subunit, deficiency of. Last evaluated: 2017-04-27. Review status: criteria provided, single submitter. Criteria: ICSL Variant Classification Criteria 13 December 2019. Collection method: clinical testing. Allele origin: germline.
Comment: This variant was observed as part of a predisposition screen in an ostensibly healthy population. A literature search was performed for the gene, cDNA change, and amino acid change (where applicable). Publications were found based on this search. However, the evidence from the literature, in combination with allele frequency data from public databases where available, was not sufficient to rule this variant in or out of causing disease. Therefore, this variant is classified as a variant of unknown significance.

ISTH-SSC Genomics in Thrombosis and Hemostasis, KU Leuven, Center for Molecular and Vascular Biology
Classification: Uncertain significance for Factor XIII, A subunit, deficiency of. Review status: criteria provided, single submitter. Criteria: ACMG Guidelines, 2015. Collection method: clinical testing. Allele origin: germline. Affected: yes. Observed: 1 compound heterozygote.
Comment: Submitted to the GoldVariant database by Kathleen Freson, Center for Molecular and Vascular Biology

Clinical Genetics DNA and cytogenetics Diagnostics Lab, Erasmus MC, Erasmus Medical Center
Classification: Likely benign. Review status: no assertion criteria provided. Collection method: clinical testing. Allele origin: germline. Affected: yes. Study: VKGL Data-share Consensus. Not counted in ClinVar's aggregate classification.

Joint Genome Diagnostic Labs from Nijmegen and Maastricht, Radboudumc and MUMC+
Classification: Likely benign. Review status: no assertion criteria provided. Collection method: clinical testing. Allele origin: germline. Affected: yes. Study: VKGL Data-share Consensus. Not counted in ClinVar's aggregate classification.

Literature cited by the submitters: PubMed 28748566 (cited by Women's Health and Genetics/Laboratory Corporation of America, LabCorp); PubMed 31064749 (cited by Women's Health and Genetics/Laboratory Corporation of America, LabCorp and NIHR Bioresource Rare Diseases, University of Cambridge); PubMed 33114181 (cited by Women's Health and Genetics/Laboratory Corporation of America, LabCorp); PubMed 20179087 (cited by Women's Health and Genetics/Laboratory Corporation of America, LabCorp and Illumina Laboratory Services, Illumina); PubMed 27363989 (cited by Women's Health and Genetics/Laboratory Corporation of America, LabCorp).

NM_000129.4(F13A1):c.1777G>A (p.Gly593Ser)

Gene: F13A1 (coagulation factor XIII A chain; minus strand). Cytogenetic location: 6p25.1.
Variant type: single nucleotide variant.
Coding change: c.1777G>A on transcript NM_000129.4 (MANE Select); coding-DNA position 1777, G replaced by A.
Protein change: p.Gly593Ser; replaces glycine 593 with serine.
Molecular consequence: missense variant.
Genome position (GRCh38, 1-based): chr6:6,167,589, C>T on the plus strand (G>A on the coding strand, the complement: F13A1 is on the minus strand). VCF-style: chr6-6167589-C-T. GRCh37 (hg19) VCF-style: chr6-6167822-C-T.
Other names: short protein forms G593S.
Identifiers: ClinVar variation 627022 (VCV000627022.25), dbSNP rs138754417, ClinGen allele CA3624240.
Genomic context (GRCh38, chr6:6,167,589, plus strand): 5'-TGCGAGCTGTGACAAAGAAGTGCAGGGACGCTTGTTCCAGCAGCTGACCCATGTACTCGC[C>T]GGCTTGGATCAGCACCGCCTCTTTCTTGACTAGTAGGAGAAAACACACACAGGCCTGGCA-3'
Protein context (NP_000120.2, residues 583-603): FKKEAVLIQA[Gly593Ser]EYMGQLLEQA